The following is an entry in ClinVar:

ClinVar aggregate classification (germline): Uncertain significance (1 of 4 stars; one submission).

Conditions:
Myofibrillar myopathy 5. Also called: Filaminopathy (type); FILAMINOPATHY, AUTOSOMAL DOMINANT. Identifiers: Orphanet 171445, MedGen C1836050, MONDO:0012289, OMIM 609524.
Hypertrophic cardiomyopathy 26. Also called: Cardiomyopathy, familial hypertrophic, 26. Identifiers: Orphanet 75249, MedGen C4310749, MONDO:0014883, OMIM 617047.
Distal myopathy with posterior leg and anterior hand involvement. Also called: WILLIAMS DISTAL MYOPATHY. Identifiers: Orphanet 63273, MedGen C3279722, MONDO:0013550, OMIM 614065.

Allele frequency attached by ClinVar (database versions not stated): gnomAD exomes below 0.00001.
gnomAD v4.1: 2 of 1,613,586 alleles (0.00012%); highest among the groups gnomAD compares: Non-Finnish European, 0.00017%; no homozygotes.

Submission:

Labcorp Genetics (formerly Invitae), Labcorp
Classification: Uncertain significance for Distal myopathy with posterior leg and anterior hand involvement; Myofibrillar myopathy 5; Hypertrophic cardiomyopathy 26. Last evaluated: 2024-03-21. Review status: criteria provided, single submitter. Criteria: Invitae Variant Classification Sherloc (09022015). Collection method: clinical testing. Allele origin: germline.
Comment: This sequence change replaces valine, which is neutral and non-polar, with methionine, which is neutral and non-polar, at codon 799 of the FLNC protein (p.Val799Met). The frequency data for this variant in the population databases is considered unreliable, as metrics indicate poor data quality at this position in the gnomAD database. This variant has not been reported in the literature in individuals affected with FLNC-related conditions. ClinVar contains an entry for this variant (Variation ID: 840381). Advanced modeling of protein sequence and biophysical properties (such as structural, functional, and spatial information, amino acid conservation, physicochemical variation, residue mobility, and thermodynamic stability) has been performed at Invitae for this missense variant, however the output from this modeling did not meet the statistical confidence thresholds required to predict the impact of this variant on FLNC protein function. In summary, the available evidence is currently insufficient to determine the role of this variant in disease. Therefore, it has been classified as a Variant of Uncertain Significance.

NM_001458.5(FLNC):c.2395G>A (p.Val799Met)

Gene: FLNC (filamin C; plus strand). Cytogenetic location: 7q32.1.
Variant type: single nucleotide variant.
Coding change: c.2395G>A on transcript NM_001458.5 (MANE Select); coding-DNA position 2395, G replaced by A.
Protein change: p.Val799Met; replaces valine 799 with methionine.
Molecular consequence: missense variant.
Genome position (GRCh38, 1-based): chr7:128,842,799, G>A. VCF-style: chr7-128842799-G-A. GRCh37 (hg19) VCF-style: chr7-128482853-G-A.
Other names: c.2395G>A, p.Val799Met (NM_001127487.2); short protein forms V799M.
Identifiers: ClinVar variation 840381 (VCV000840381.9), dbSNP rs1345929888, ClinGen allele CA369191509.
Genomic context (GRCh38, chr7:128,842,799, plus strand): 5'-GGTGAGTCGAGTCGGGGGCTGAGCCCAACTCACAGCAGTGCCCGCTTCTCTGCAGGCGAC[G>A]TGAGCATCGGCATCAAGTGCGCCCCAGGCGTGGTGGGCCCTGCAGAGGCTGACATTGACT-3'
Protein context (NP_001449.3, residues 789-809): VDCSEAGQGD[Val799Met]SIGIKCAPGV